The following is an entry in ClinVar:

ClinVar aggregate classification (germline): Likely pathogenic (1 of 4 stars; one submission).

Allele frequency attached by ClinVar (database versions not stated): gnomAD 0.00002.
gnomAD v4.1: 35 of 1,553,892 alleles (0.0023%); highest among the groups gnomAD compares: African/African-American, 0.0041%; no homozygotes.

Submission:

Labcorp Genetics (formerly Invitae), Labcorp
Classification: Likely pathogenic. Last evaluated: 2024-11-01. Review status: criteria provided, single submitter. Criteria: Invitae Variant Classification Sherloc (09022015). Collection method: clinical testing. Allele origin: germline.
Comment: This sequence change affects a donor splice site in intron 2 of the CABP2 gene. It is expected to disrupt RNA splicing. Variants that disrupt the donor or acceptor splice site typically lead to a loss of protein function (PMID: 16199547), and loss-of-function variants in CABP2 are known to be pathogenic (PMID: 26226137, 28183797). This variant is present in population databases (no rsID available, gnomAD 0.01%). This variant has not been reported in the literature in individuals affected with CABP2-related conditions. ClinVar contains an entry for this variant (Variation ID: 2895007). Algorithms developed to predict the effect of sequence changes on RNA splicing suggest that this variant may disrupt the consensus splice site. In summary, the currently available evidence indicates that the variant is pathogenic, but additional data are needed to prove that conclusively. Therefore, this variant has been classified as Likely Pathogenic.

Literature cited by the submitters: PubMed 16199547; PubMed 26226137; PubMed 28183797.

NM_016366.3(CABP2):c.213+1G>A

Gene: CABP2 (calcium binding protein 2; minus strand). Cytogenetic location: 11q13.2.
Variant type: single nucleotide variant.
Coding change: c.213+1G>A on transcript NM_016366.3 (MANE Select); the canonical splice donor site of the intron after coding-DNA position 213, G replaced by A.
Molecular consequence: splice donor variant. On other transcripts: synonymous variant (1).
Genome position (GRCh38, 1-based): chr11:67,522,545, C>T on the plus strand (G>A on the coding strand, the complement: CABP2 is on the minus strand). VCF-style: chr11-67522545-C-T. GRCh37 (hg19) VCF-style: chr11-67290016-C-T.
Other names: c.228G>A, p.Ser76= (NM_001318496.2).
Identifiers: ClinVar variation 2895007 (VCV002895007.3), dbSNP rs1337650827, ClinGen allele CA381517578.
Genomic context (GRCh38, chr11:67,522,545, plus strand): 5'-AGGTGAGCTGGTGGGAGAGGGGCAAGGGCAGGCAGGCTGGCGGGCGGGTGGCCGTACATA[C>T]GAGTTGGGTGGCGGCAATGCTGGGCCGCAGGAAGATGCAGGCAGGCCCCACCAGGCTGTT-3'